The following is an entry in ClinVar:

NM_006073.4(TRDN):c.1328C>T (p.Pro443Leu)

Gene: TRDN (triadin; minus strand). Cytogenetic location: 6q22.31.
Variant type: single nucleotide variant.
Coding change: c.1328C>T on transcript NM_006073.4 (MANE Select); coding-DNA position 1328, C replaced by T.
Protein change: p.Pro443Leu; replaces proline 443 with leucine.
Molecular consequence: missense variant.
Genome position (GRCh38, 1-based): chr6:123,352,580, G>A on the plus strand (C>T on the coding strand, the complement: TRDN is on the minus strand). VCF-style: chr6-123352580-G-A. GRCh37 (hg19) VCF-style: chr6-123673725-G-A.
Other names: c.1331C>T, p.Pro444Leu (NM_001251987.2); short protein forms P443L, P444L.
Identifiers: ClinVar variation 1420392 (VCV001420392.9), dbSNP rs2114299923, ClinGen allele CA365566157.

ClinVar aggregate classification (germline): Uncertain significance (1 of 4 stars; one submission).

Conditions:
Catecholaminergic polymorphic ventricular tachycardia 1. Also called: VENTRICULAR TACHYCARDIA, CATECHOLAMINERGIC POLYMORPHIC, 1, WITH OR WITHOUT ATRIAL DYSFUNCTION AND/OR DILATED CARDIOMYOPATHY; RYR2-Related Catecholaminergic Polymorphic Ventricular Tachycardia; VENTRICULAR TACHYCARDIA, STRESS-INDUCED POLYMORPHIC 1. Identifiers: Orphanet 3286, MedGen C1631597, MONDO:0011484, OMIM 604772.

Submission:

Labcorp Genetics (formerly Invitae), Labcorp
Classification: Uncertain significance for Catecholaminergic polymorphic ventricular tachycardia 1. Last evaluated: 2021-04-26. Review status: criteria provided, single submitter. Criteria: Invitae Variant Classification Sherloc (09022015). Collection method: clinical testing. Allele origin: germline.
Comment: Algorithms developed to predict the effect of missense changes on protein structure and function are either unavailable or do not agree on the potential impact of this missense change (SIFT: "Deleterious"; PolyPhen-2: "Probably Damaging"; Align-GVGD: "Class C0"). In summary, the available evidence is currently insufficient to determine the role of this variant in disease. Therefore, it has been classified as a Variant of Uncertain Significance. This variant has not been reported in the literature in individuals with TRDN-related conditions. This sequence change replaces proline with leucine at codon 443 of the TRDN protein (p.Pro443Leu). The proline residue is moderately conserved and there is a moderate physicochemical difference between proline and leucine. This variant is not present in population databases (ExAC no frequency).